The following is an entry in ClinVar:

ClinVar aggregate classification (germline): Uncertain significance (1 of 4 stars; one submission).

Conditions:
Mendelian susceptibility to mycobacterial diseases due to complete IL12RB1 deficiency. Also called: IL12RB1 DEFICIENCY; Immunodeficiency 30. Identifiers: Orphanet 319552, MedGen C4013949, MONDO:0013955, OMIM 614891.

Allele frequency attached by ClinVar (database versions not stated): TOPMed 0.00001.

Submission:

Labcorp Genetics (formerly Invitae), Labcorp
Classification: Uncertain significance for Mendelian susceptibility to mycobacterial diseases due to complete IL12RB1 deficiency. Last evaluated: 2023-12-11. Review status: criteria provided, single submitter. Criteria: Invitae Variant Classification Sherloc (09022015). Collection method: clinical testing. Allele origin: germline.
Comment: This sequence change replaces glutamic acid, which is acidic and polar, with glutamine, which is neutral and polar, at codon 266 of the IL12RB1 protein (p.Glu266Gln). This variant is not present in population databases (gnomAD no frequency). This variant has not been reported in the literature in individuals affected with IL12RB1-related conditions. ClinVar contains an entry for this variant (Variation ID: 2085895). Advanced modeling of protein sequence and biophysical properties (such as structural, functional, and spatial information, amino acid conservation, physicochemical variation, residue mobility, and thermodynamic stability) performed at Invitae indicates that this missense variant is not expected to disrupt IL12RB1 protein function with a negative predictive value of 80%. In summary, the available evidence is currently insufficient to determine the role of this variant in disease. Therefore, it has been classified as a Variant of Uncertain Significance.

NM_005535.3(IL12RB1):c.796G>C (p.Glu266Gln)

Gene: IL12RB1 (interleukin 12 receptor subunit beta 1; minus strand). Cytogenetic location: 19p13.11.
Variant type: single nucleotide variant.
Coding change: c.796G>C on transcript NM_005535.3 (MANE Select); coding-DNA position 796, G replaced by C.
Protein change: p.Glu266Gln; replaces glutamic acid 266 with glutamine.
Molecular consequence: missense variant.
Genome position (GRCh38, 1-based): chr19:18,072,337, C>G on the plus strand (G>C on the coding strand, the complement: IL12RB1 is on the minus strand). VCF-style: chr19-18072337-C-G. GRCh37 (hg19) VCF-style: chr19-18183147-C-G.
Other names: c.796G>C, p.Glu266Gln (NM_001290023.2, NM_153701.3); c.916G>C, p.Glu306Gln (NM_001290024.2); short protein forms E266Q, E306Q.
Identifiers: ClinVar variation 2085895 (VCV002085895.4), dbSNP rs1052095245, ClinGen allele CA306163514.